The following is an entry in ClinVar:

ClinVar aggregate classification (germline): Likely pathogenic (1 of 4 stars; one submission).

gnomAD v4.1: 5 of 1,613,868 alleles (0.00031%); highest among the groups gnomAD compares: African/African-American, 0.0013%; no homozygotes.

Submission:

GeneDx
Classification: Likely pathogenic. Last evaluated: 2019-04-25. Review status: criteria provided, single submitter. Criteria: GeneDx Variant Classification Process June 2021. Collection method: clinical testing. Allele origin: germline. Affected: yes.
Comment: Not observed in large population cohorts (Lek et al., 2016); Has not been previously published as pathogenic or benign to our knowledge

NM_173076.3(ABCA12):c.6458G>T (p.Gly2153Val)

Genes: ABCA12 (ATP binding cassette subfamily A member 12; minus strand), SNHG31 (small nucleolar RNA host gene 31; plus strand). Cytogenetic location: 2q35.
Variant type: single nucleotide variant.
Coding change: c.6458G>T on transcript NM_173076.3 (MANE Select); coding-DNA position 6458, G replaced by T.
Protein change: p.Gly2153Val; replaces glycine 2153 with valine.
Molecular consequence: missense variant. On other transcripts: non-coding transcript variant (1).
Genome position (GRCh38, 1-based): chr2:214,954,043, C>A on the plus strand (G>T on the coding strand, the complement: ABCA12 is on the minus strand). VCF-style: chr2-214954043-C-A. GRCh37 (hg19) VCF-style: chr2-215818767-C-A.
Other names: c.5504G>T, p.Gly1835Val (NM_015657.4); short protein forms G1835V, G2153V.
Identifiers: ClinVar variation 1222949 (VCV001222949.3), dbSNP rs2105931529, ClinGen allele CA350446376.
Genomic context (GRCh38, chr2:214,954,043, plus strand): 5'-CCATATGCTTTTAAGAAGTCTAGGACCGACTGTTGTTGAGAAAGTTCAATCAAACCGTAG[C>A]CAAAACAGAATTGTGGGAAAATCAGGAAAATGCGCTTGAGGGTTTCAGAAATAAGTTCTA-3'
Protein context (NP_775099.2, residues 2143-2163): IFLIFPQFCF[Gly2153Val]YGLIELSQQQ